The following is an entry in ClinVar:

NM_001040108.2(MLH3):c.2225G>C (p.Arg742Pro)

Gene: MLH3 (mutL homolog 3; minus strand). Cytogenetic location: 14q24.3.
Variant type: single nucleotide variant.
Coding change: c.2225G>C on transcript NM_001040108.2 (MANE Select); coding-DNA position 2225, G replaced by C.
Protein change: p.Arg742Pro; replaces arginine 742 with proline.
Molecular consequence: missense variant.
Genome position (GRCh38, 1-based): chr14:75,047,431, C>G on the plus strand (G>C on the coding strand, the complement: MLH3 is on the minus strand). VCF-style: chr14-75047431-C-G. GRCh37 (hg19) VCF-style: chr14-75514134-C-G.
Other names: c.2225G>C, p.Arg742Pro (NM_014381.3); short protein forms R742P.
Identifiers: ClinVar variation 1787987 (VCV001787987.3), dbSNP rs375623365, ClinGen allele CA390441173.
Genomic context (GRCh38, chr14:75,047,431, plus strand): 5'-CCATATTGCCTCTTAAACTTCTCTAAAGATCCTAGCTGTGAACTCAAGCTTAGCTTCTTA[C>G]GGACGATTGGTTTGGAGAAACCAATTAATTTATCTGTTTTCCTACTATCATTGGAAACGT-3'
Protein context (NP_001035197.1, residues 732-752): KLIGFSKPIV[Arg742Pro]KKLSLSSQLG

ClinVar aggregate classification (germline): Uncertain significance (1 of 4 stars; one submission).

gnomAD v4.1: 1 of 1,614,080 alleles (0.000062%); highest among the groups gnomAD compares: African/African-American, 0.0013%; no homozygotes.

Submission:

Ambry Genetics
Classification: Uncertain significance. Last evaluated: 2024-07-09. Review status: criteria provided, single submitter. Criteria: Ambry Variant Classification Scheme 2023. Collection method: clinical testing. Allele origin: germline.
Comment: The p.R742P variant (also known as c.2225G>C), located in coding exon 1 of the MLH3 gene, results from a G to C substitution at nucleotide position 2225. The arginine at codon 742 is replaced by proline, an amino acid with dissimilar properties. This amino acid position is conserved. In addition, this alteration is predicted to be tolerated by in silico analysis. Since supporting evidence is limited at this time, the clinical significance of this alteration remains unclear.